The following is an entry in ClinVar:

NM_000051.4(ATM):c.8585-1G>C

Genes: ATM (ATM serine/threonine kinase; plus strand), C11orf65 (chromosome 11 open reading frame 65; minus strand). Cytogenetic location: 11q22.3.
Variant type: single nucleotide variant.
Coding change: c.8585-1G>C on transcript NM_000051.4 (MANE Select); the canonical splice acceptor site of the intron before coding-DNA position 8585, G replaced by C.
Molecular consequence: splice acceptor variant. On other transcripts: intron variant (2).
Genome position (GRCh38, 1-based): chr11:108,347,278, G>C. VCF-style: chr11-108347278-G-C. GRCh37 (hg19) VCF-style: chr11-108218005-G-C.
Other names: c.8585-1G>C (NM_000051.3, NM_001351834.2); c.641-38207C>G (NM_001330368.2); c.695-11986C>G (NM_001351110.2).
Identifiers: ClinVar variation 2679763 (VCV002679763.1), dbSNP rs876660066, ClinGen allele CA382520252.

ClinVar aggregate classification (germline): Pathogenic. Review status: criteria provided, multiple submitters, no conflicts (2 of 4 stars). 2 submissions from 2 submitters: Pathogenic (2). Last evaluated 2024-03-25.

Conditions:
Ataxia-telangiectasia syndrome (AT). Also called: LOUIS-BAR SYNDROME; Cerebello-oculocutaneous telangiectasia; Immunodeficiency with ataxia telangiectasia; Ataxia-telangiectasia, complementation group E; Ataxia-telangiectasia, complementation group D; AT, COMPLEMENTATION GROUP C. Identifiers: Orphanet 100, MedGen C0004135, MONDO:0008840, OMIM 208900.
Familial cancer of breast. Also called: BREAST CANCER, FAMILIAL; Hereditary breast cancer; hereditary breast carcinoma. Identifiers: Orphanet 227535, MedGen C0346153, MONDO:0016419, OMIM 114480. Disease mechanism: loss of function.

Submissions (2):

Natera, Inc.
Classification: Pathogenic for Ataxia-telangiectasia. Last evaluated: 2024-03-25. Review status: criteria provided, single submitter. Criteria: Natera Variant Classification Schema (03/2026). Collection method: clinical testing. Allele origin: germline.
Comment: The c.8585-1G>C variant in ATM is a canonical splice acceptor site variant predicted to affect pre-mRNA splicing, which may result in an abnormal transcript and altered protein product. This variant is expected to result in nonsense mediated decay, truncation, or a dysfunctional protein product. This variant is rare in the general population with a frequency below the threshold expected for the associated phenotype(s). This variant has been observed in one or more individuals affected with the associated recessive disease, as either homozygous or compound heterozygous with a second variant (PMID: 22006793). Functional studies show that this variant may disrupt protein function (PMID: 22006793). Given the available evidence, this variant is classified as Pathogenic.

Baylor Genetics
Classification: Pathogenic for Familial cancer of breast. Last evaluated: 2022-10-17. Review status: criteria provided, single submitter. Criteria: ACMG Guidelines, 2015. Collection method: clinical testing. Allele origin: unknown.

Literature cited by the submitters: PubMed 22006793 (cited by Natera, Inc.).